The following is an entry in ClinVar:

ClinVar aggregate classification (germline): Likely benign. Review status: criteria provided, multiple submitters, no conflicts (2 of 4 stars). 4 submissions from 4 submitters: Likely benign (3). 1 of the submissions does not count toward it. Last evaluated 2025-09-24.

Conditions:
Dyskeratosis congenita, autosomal recessive 5 (DKCB5). Identifiers: MedGen C3554656, MONDO:0014076, OMIM 615190.
Pulmonary fibrosis and/or bone marrow failure, Telomere-related, 3. Also called: PULMONARY FIBROSIS AND/OR BONE MARROW FAILURE SYNDROME, TELOMERE-RELATED, 3. Identifiers: Orphanet 2032, MedGen C4225346, MONDO:0014613, OMIM 616373.
Dyskeratosis congenita. Identifiers: Orphanet 1775, MedGen C0265965, MONDO:0015780.
Inborn genetic diseases. Identifiers: MedGen C0950123, MeSH D030342.

Allele frequency attached by ClinVar (database versions not stated): gnomAD 0.00001; TOPMed 0.00002; gnomAD exomes 0.00003 and 0.00006; ExAC 0.00007; 1000 Genomes Project 30x 0.00016; 1000 Genomes Project 0.00020.
gnomAD v4.1: 42 of 1,612,648 alleles (0.0026%); highest among the groups gnomAD compares: East Asian, 0.022%; 1 homozygote.

Submissions (4):

Labcorp Genetics (formerly Invitae), Labcorp
Classification: Likely benign for Dyskeratosis congenita, autosomal recessive 5; Pulmonary fibrosis and/or bone marrow failure, Telomere-related, 3. Last evaluated: 2025-09-24. Review status: criteria provided, single submitter. Criteria: Invitae Variant Classification Sherloc (09022015). Collection method: clinical testing. Allele origin: germline.

Ambry Genetics
Classification: Likely benign for Inborn genetic diseases. Last evaluated: 2024-05-23. Review status: criteria provided, single submitter. Criteria: Ambry Variant Classification Scheme 2023. Collection method: clinical testing. Allele origin: germline.

CeGaT Center for Human Genetics Tuebingen
Classification: Likely benign. Last evaluated: 2022-11-01. Review status: criteria provided, single submitter. Criteria: CeGaT Center For Human Genetics Tuebingen Variant Classification Criteria Version 2. Collection method: clinical testing. Allele origin: germline. Affected: yes. Observed: 1 variant allele.
Comment: RTEL1: BP4, BP7

Natera, Inc.
Classification: Likely benign for Dyskeratosis congenita. Last evaluated: 2020-03-04. Review status: no assertion criteria provided. Collection method: clinical testing. Allele origin: germline. Not counted in ClinVar's aggregate classification.

NM_001283009.2(RTEL1):c.3273C>T (p.Asp1091=)

Genes: RTEL1-TNFRSF6B (RTEL1-TNFRSF6B readthrough (NMD candidate); plus strand), RTEL1 (regulator of telomere elongation helicase 1; plus strand). Cytogenetic location: 20q13.33.
Variant type: single nucleotide variant.
Coding change: c.3273C>T on transcript NM_001283009.2 (MANE Select); coding-DNA position 3273, C replaced by T.
Protein change: p.Asp1091=; no amino-acid change (aspartic acid 1091 retained).
Molecular consequence: synonymous variant. On other transcripts: non-coding transcript variant (1).
Genome position (GRCh38, 1-based): chr20:63,694,904, C>T. VCF-style: chr20-63694904-C-T. GRCh37 (hg19) VCF-style: chr20-62326257-C-T.
Other names: c.2604C>T, p.Asp868= (NM_001283010.1); c.3273C>T, p.Asp1091= (NM_016434.4); c.3345C>T, p.Asp1115= (NM_032957.5).
Identifiers: ClinVar variation 765952 (VCV000765952.35), dbSNP rs528125869, ClinGen allele CA9965931.